The following is an entry in ClinVar:

ClinVar aggregate classification (germline): Uncertain significance (1 of 4 stars; one submission).

Conditions:
Dilated cardiomyopathy 1G (CMD1G). Identifiers: Orphanet 154, MedGen C1858763, MONDO:0011400, OMIM 604145.
Autosomal recessive limb-girdle muscular dystrophy type 2J (LGMDR10). Also called: Limb-girdle muscular dystrophy, type 2J; MUSCULAR DYSTROPHY, LIMB-GIRDLE, AUTOSOMAL RECESSIVE 10. Identifiers: Orphanet 140922, MedGen C1837342, MONDO:0012127, OMIM 608807.

Allele frequency attached by ClinVar (database versions not stated): gnomAD exomes below 0.00001; TOPMed below 0.00001; gnomAD 0.00001.
gnomAD v4.1: 5 of 1,613,888 alleles (0.00031%); highest among the groups gnomAD compares: East Asian, 0.0022%; no homozygotes.

Submission:

Labcorp Genetics (formerly Invitae), Labcorp
Classification: Uncertain significance for Dilated cardiomyopathy 1G; Autosomal recessive limb-girdle muscular dystrophy type 2J. Last evaluated: 2025-12-10. Review status: criteria provided, single submitter. Criteria: Invitae Variant Classification Sherloc (09022015). Collection method: clinical testing. Allele origin: germline.
Comment: This sequence change replaces threonine, which is neutral and polar, with isoleucine, which is neutral and non-polar, at codon 35215 of the TTN protein (p.Thr35215Ile). This variant is present in population databases (no rsID available, gnomAD 0.006%). This variant has not been reported in the literature in individuals affected with TTN-related conditions. ClinVar contains an entry for this variant (Variation ID: 2935851). Experimental studies and prediction algorithms are not available or were not evaluated, and the functional significance of this variant is currently unknown. In summary, the available evidence is currently insufficient to determine the role of this variant in disease. Therefore, it has been classified as a Variant of Uncertain Significance.

NM_001267550.2(TTN):c.105644C>T (p.Thr35215Ile)

Genes: TTN (titin; minus strand), TTN-AS1 (TTN antisense RNA 1; plus strand), LOC129935183 (ATAC-STARR-seq lymphoblastoid active region 16808; plus strand). Cytogenetic location: 2q31.2.
Variant type: single nucleotide variant.
Coding change: c.105644C>T on transcript NM_001267550.2 (MANE Select); coding-DNA position 105644, C replaced by T.
Protein change: p.Thr35215Ile; replaces threonine 35215 with isoleucine.
Molecular consequence: missense variant.
Genome position (GRCh38, 1-based): chr2:178,530,971, G>A on the plus strand (C>T on the coding strand, the complement: TTN is on the minus strand). VCF-style: chr2-178530971-G-A. GRCh37 (hg19) VCF-style: chr2-179395698-G-A.
Other names: c.100721C>T, p.Thr33574Ile (NM_001256850.1); c.78449C>T, p.Thr26150Ile (NM_003319.4); c.97940C>T, p.Thr32647Ile (NM_133378.4); c.78824C>T, p.Thr26275Ile (NM_133432.3); c.79025C>T, p.Thr26342Ile (NM_133437.4); short protein forms T26275I, T26342I, T32647I, T26150I, T35215I, T33574I.
Identifiers: ClinVar variation 2935851 (VCV002935851.2), dbSNP rs1340897756, ClinGen allele CA349408242.